The following is an entry in ClinVar:

ClinVar aggregate classification (germline): Pathogenic (1 of 4 stars; one submission).

Conditions:
Adams-Oliver syndrome 2 (AOS2). Identifiers: Orphanet 974, MedGen C3280182, MONDO:0013635, OMIM 614219.

Submission:

3billion
Classification: Pathogenic for Adams-Oliver syndrome 2. Last evaluated: 2021-10-02. Review status: criteria provided, single submitter. Criteria: ACMG Guidelines, 2015. Collection method: clinical testing. Allele origin: maternal. Affected: yes. Observed: 1 heterozygote.
Comment: Frameshift: predicted to result in a loss or disruption of normal protein function through nonsense-mediated decay (NMD) or protein truncation. Multiple pathogenic variants are reported downstream of the variant (PVS1_VS). It is not observed in the gnomAD v2.1.1 dataset (PM2). The variant was observed in trans with a pathogenic variant (NM_020812.3:c.1396C>T) as compound heterozygous (3billion dataset, PM3). Therefore, this variant is classified as pathogenic according to the recommendation of ACMG/AMP guideline.

NM_020812.4(DOCK6):c.1300del (p.Gln434fs)

Gene: DOCK6 (dedicator of cytokinesis 6; minus strand). Cytogenetic location: 19p13.2.
Variant type: Deletion.
Coding change: c.1300del on transcript NM_020812.4 (MANE Select); coding-DNA position 1300, one base deleted (C; older notation c.1300delC).
Protein change: p.Gln434fs; shifts the reading frame from glutamine 434.
Molecular consequence: frameshift variant.
Genome position (GRCh38, 1-based): chr19:11,243,344, G deleted on the plus strand (C on the coding strand, the reverse complement: DOCK6 is on the minus strand); the first of 4 consecutive G bases (chr19:11,243,344-11,243,347); deleting any one gives the same sequence. VCF-style (leftmost placement, unchanged base first): chr19-11243343-TG-T. GRCh37 (hg19) VCF-style: chr19-11354019-TG-T.
Other names: c.1300del, p.Gln434fs (NM_001367830.1); short protein forms Q434fs.
Identifiers: ClinVar variation 1320060 (VCV001320060.1), dbSNP rs2147852182, ClinGen allele CA2573054707.